The following is an entry in ClinVar:

ClinVar aggregate classification (germline): Uncertain significance (1 of 4 stars; one submission).

Conditions:
Primary dilated cardiomyopathy (DCM). Also called: Dilated Cardiomyopathy. Identifiers: Orphanet 217604, MedGen C0007193, MeSH D002311, MONDO:0005021, HP:0001644. Inheritance: Various modes of inheritance.
Hypertrophic cardiomyopathy. Also called: HYPERTROPHIC MYOCARDIOPATHY. Identifiers: Orphanet 217569, MedGen C0007194, MeSH D002312, MONDO:0005045, HP:0001639.

Submission:

Labcorp Genetics (formerly Invitae), Labcorp
Classification: Uncertain significance for Hypertrophic cardiomyopathy; Primary dilated cardiomyopathy. Last evaluated: 2022-04-03. Review status: criteria provided, single submitter. Criteria: Invitae Variant Classification Sherloc (09022015). Collection method: clinical testing. Allele origin: germline.
Comment: In summary, the available evidence is currently insufficient to determine the role of this variant in disease. Therefore, it has been classified as a Variant of Uncertain Significance. Algorithms developed to predict the effect of missense changes on protein structure and function output the following: SIFT: "Tolerated"; PolyPhen-2: "Benign"; Align-GVGD: "Class C0". The alanine amino acid residue is found in multiple mammalian species, which suggests that this missense change does not adversely affect protein function. This variant has not been reported in the literature in individuals affected with PDLIM3-related conditions. This variant is not present in population databases (gnomAD no frequency). This sequence change replaces threonine, which is neutral and polar, with alanine, which is neutral and non-polar, at codon 357 of the PDLIM3 protein (p.Thr357Ala).

NM_014476.6(PDLIM3):c.1069A>G (p.Thr357Ala)

Gene: PDLIM3 (PDZ and LIM domain 3; minus strand). Cytogenetic location: 4q35.1.
Variant type: single nucleotide variant.
Coding change: c.1069A>G on transcript NM_014476.6 (MANE Select); coding-DNA position 1069, A replaced by G.
Protein change: p.Thr357Ala; replaces threonine 357 with alanine.
Molecular consequence: missense variant. On other transcripts: non-coding transcript variant (1).
Genome position (GRCh38, 1-based): chr4:185,502,320, T>C on the plus strand (A>G on the coding strand, the complement: PDLIM3 is on the minus strand). VCF-style: chr4-185502320-T-C. GRCh37 (hg19) VCF-style: chr4-186423474-T-C.
Other names: c.925A>G, p.Thr309Ala (NM_001114107.5); c.805A>G, p.Thr269Ala (NM_001257962.2); c.568A>G, p.Thr190Ala (NM_001257963.2); short protein forms T269A, T357A, T309A, T190A.
Identifiers: ClinVar variation 1953073 (VCV001953073.5), dbSNP rs920811532, ClinGen allele CA112040370.